The following is an entry in ClinVar:

ClinVar aggregate classification (germline): Uncertain significance (1 of 4 stars; one submission).

Conditions:
Fanconi anemia (FA). Also called: Fanconi's anemia. Identifiers: Orphanet 84, MedGen C0015625, MeSH D005199, MONDO:0019391.

Submission:

Labcorp Genetics (formerly Invitae), Labcorp
Classification: Uncertain significance for Fanconi anemia. Last evaluated: 2023-08-07. Review status: criteria provided, single submitter. Criteria: Invitae Variant Classification Sherloc (09022015). Collection method: clinical testing. Allele origin: germline.
Comment: In summary, the available evidence is currently insufficient to determine the role of this variant in disease. Therefore, it has been classified as a Variant of Uncertain Significance. Advanced modeling of protein sequence and biophysical properties (such as structural, functional, and spatial information, amino acid conservation, physicochemical variation, residue mobility, and thermodynamic stability) performed at Invitae indicates that this missense variant is expected to disrupt FANCL protein function. This variant has not been reported in the literature in individuals affected with FANCL-related conditions. This variant is not present in population databases (gnomAD no frequency). This sequence change replaces leucine, which is neutral and non-polar, with isoleucine, which is neutral and non-polar, at codon 288 of the FANCL protein (p.Leu288Ile).

NM_018062.4(FANCL):c.862T>A (p.Leu288Ile)

Gene: FANCL (FA complementation group L; minus strand). Cytogenetic location: 2p16.1.
Variant type: single nucleotide variant.
Coding change: c.862T>A on transcript NM_018062.4 (MANE Select); coding-DNA position 862, T replaced by A.
Protein change: p.Leu288Ile; replaces leucine 288 with isoleucine.
Molecular consequence: missense variant.
Genome position (GRCh38, 1-based): chr2:58,162,907, A>T on the plus strand (T>A on the coding strand, the complement: FANCL is on the minus strand). VCF-style: chr2-58162907-A-T. GRCh37 (hg19) VCF-style: chr2-58390042-A-T.
Other names: c.877T>A, p.Leu293Ile (NM_001114636.2); c.907T>A, p.Leu303Ile (NM_001374615.1); c.922T>A, p.Leu308Ile (NM_001410792.1); short protein forms L293I, L303I, L308I, L288I.
Identifiers: ClinVar variation 2751125 (VCV002751125.3), dbSNP rs2466606729, ClinGen allele CA346935173.